The following is an entry in ClinVar:

NM_197968.4(ZMYM2):c.764G>A (p.Gly255Glu)

Gene: ZMYM2 (zinc finger MYM-type containing 2; plus strand). Cytogenetic location: 13q12.11.
Variant type: single nucleotide variant.
Coding change: c.764G>A on transcript NM_197968.4 (MANE Select); coding-DNA position 764, G replaced by A.
Protein change: p.Gly255Glu; replaces glycine 255 with glutamic acid.
Molecular consequence: missense variant. On other transcripts: non-coding transcript variant (1).
Genome position (GRCh38, 1-based): chr13:19,993,836, G>A. VCF-style: chr13-19993836-G-A. GRCh37 (hg19) VCF-style: chr13-20567976-G-A.
Other names: c.764G>A, p.Gly255Glu (NM_001190964.4, NM_001190965.4, NM_001353157.2 and 5 more transcripts); c.569G>A, p.Gly190Glu (NM_001353161.3); c.503G>A, p.Gly168Glu (NM_001353163.2); short protein forms G168E, G190E, G255E.
Identifiers: ClinVar variation 3369325 (VCV003369325.1).
Genomic context (GRCh38, chr13:19,993,836, plus strand): 5'-GTAATTTTGGTGTTAATATACAAACATACACCCCATCTTTAACTTCACAGACCAAGACTG[G>A]AGTAGGACCTTTTAATCCTGGTAGAATGAATGTGGCAGGAGACGTTTTTCAGAATGGAGA-3'
Protein context (NP_932072.1, residues 245-265): TPSLTSQTKT[Gly255Glu]VGPFNPGRMN

ClinVar aggregate classification (germline): Uncertain significance (1 of 4 stars; one submission).

gnomAD v4.1: 2 of 1,614,108 alleles (0.00012%); highest among the groups gnomAD compares: Non-Finnish European, 0.00017%; no homozygotes.

Submission:

GeneDx
Classification: Uncertain significance. Last evaluated: 2024-04-25. Review status: criteria provided, single submitter. Criteria: GeneDx Variant Classification Process June 2021. Collection method: clinical testing. Allele origin: germline. Affected: yes.
Comment: Not observed at significant frequency in large population cohorts (gnomAD); In silico analysis supports that this missense variant has a deleterious effect on protein structure/function; Has not been previously published as pathogenic or benign to our knowledge